The following is an entry in ClinVar:

NM_004415.4(DSP):c.6274G>C (p.Ala2092Pro)

Gene: DSP (desmoplakin; plus strand). Cytogenetic location: 6p24.3.
Variant type: single nucleotide variant.
Coding change: c.6274G>C on transcript NM_004415.4 (MANE Select); coding-DNA position 6274, G replaced by C.
Protein change: p.Ala2092Pro; replaces alanine 2092 with proline.
Molecular consequence: missense variant.
Genome position (GRCh38, 1-based): chr6:7,583,536, G>C. VCF-style: chr6-7583536-G-C. GRCh37 (hg19) VCF-style: chr6-7583769-G-C.
Other names: c.4477G>C, p.Ala1493Pro (NM_001008844.3); c.4945G>C, p.Ala1649Pro (NM_001319034.2); short protein forms A1493P, A1649P, A2092P.
Identifiers: ClinVar variation 4758210 (VCV004758210.1).

ClinVar aggregate classification (germline): Uncertain significance (1 of 4 stars; one submission).

Conditions:
Cardiomyopathy (CMYO). Also called: Cardiomyopathies. Identifiers: Orphanet 167848, MedGen C0878544, MONDO:0004994, HP:0001638. Inheritance: Various modes of inheritance.

Submission:

Color Diagnostics, LLC DBA Color Health
Classification: Uncertain significance for Cardiomyopathy. Last evaluated: 2025-10-05. Review status: criteria provided, single submitter. Criteria: ACMG Guidelines, 2015. Collection method: clinical testing. Allele origin: germline.
Comment: This missense variant replaces alanine with proline at codon 2092 of the DSP protein. Computational prediction is inconclusive regarding the impact of this variant on protein structure and function. To our knowledge, functional studies have not been reported for this variant. This variant has not been reported in individuals affected with DSP-related disorders in the literature. This variant has not been identified in the general population by the Genome Aggregation Database (gnomAD). The available evidence is insufficient to determine the role of this variant in disease conclusively. Therefore, this variant is classified as a Variant of Uncertain Significance.